The following is an entry in ClinVar:

NM_001131016.2(CIZ1):c.2605C>G (p.Gln869Glu)

Gene: CIZ1 (CDKN1A interacting zinc finger protein 1; minus strand). Cytogenetic location: 9q34.11.
Variant type: single nucleotide variant.
Coding change: c.2605C>G on transcript NM_001131016.2 (MANE Select); coding-DNA position 2605, C replaced by G.
Protein change: p.Gln869Glu; replaces glutamine 869 with glutamic acid.
Molecular consequence: missense variant.
Genome position (GRCh38, 1-based): chr9:128,166,289, G>C on the plus strand (C>G on the coding strand, the complement: CIZ1 is on the minus strand). VCF-style: chr9-128166289-G-C. GRCh37 (hg19) VCF-style: chr9-130928568-G-C.
Other names: c.2437C>G, p.Gln813Glu (NM_001131015.2); c.2422C>G, p.Gln808Glu (NM_001131017.2); c.2365C>G, p.Gln789Glu (NM_001131018.2); c.2773C>G, p.Gln925Glu (NM_001257975.2); c.2302C>G, p.Gln768Glu (NM_001257976.2); c.2605C>G, p.Gln869Glu (NM_012127.3); short protein forms Q813E, Q789E, Q869E, Q768E, Q808E, Q925E.
Identifiers: ClinVar variation 3704112 (VCV003704112.8).

ClinVar aggregate classification (germline): Conflicting classifications of pathogenicity. Review status: criteria provided, conflicting classifications (1 of 4 stars). 2 submissions from 2 submitters: Uncertain significance (1); Likely benign (1). Last evaluated 2025-10-01.

Conditions:
Dystonic disorder. Also called: Dystonia. Identifiers: MedGen C0013421, MONDO:0003441, HP:0001332.

Submissions (2):

CeGaT Center for Human Genetics Tuebingen
Classification: Likely benign. Last evaluated: 2025-10-01. Review status: criteria provided, single submitter. Criteria: CeGaT Center For Human Genetics Tuebingen Variant Classification Criteria Version 2. Collection method: clinical testing. Allele origin: germline. Affected: yes. Observed: 1 variant allele.
Comment: CIZ1: BP4

Labcorp Genetics (formerly Invitae), Labcorp
Classification: Uncertain significance for Dystonic disorder. Last evaluated: 2025-09-22. Review status: criteria provided, single submitter. Criteria: Invitae Variant Classification Sherloc (09022015). Collection method: clinical testing. Allele origin: germline.
Comment: This sequence change replaces glutamine, which is neutral and polar, with glutamic acid, which is acidic and polar, at codon 869 of the CIZ1 protein (p.Gln869Glu). This variant is present in population databases (rs192626276, gnomAD 0.02%). This variant has not been reported in the literature in individuals affected with CIZ1-related conditions. ClinVar contains an entry for this variant (Variation ID: 3704112). An algorithm developed to predict the effect of missense changes on protein structure and function (PolyPhen-2) suggests that this variant is likely to be tolerated. In summary, the available evidence is currently insufficient to determine the role of this variant in disease. Therefore, it has been classified as a Variant of Uncertain Significance.